The following is an entry in ClinVar:

NM_006231.4(POLE):c.3533A>G (p.Tyr1178Cys)

Gene: POLE (DNA polymerase epsilon, catalytic subunit; minus strand). Cytogenetic location: 12q24.33.
Variant type: single nucleotide variant.
Coding change: c.3533A>G on transcript NM_006231.4 (MANE Select); coding-DNA position 3533, A replaced by G.
Protein change: p.Tyr1178Cys; replaces tyrosine 1178 with cysteine.
Molecular consequence: missense variant.
Genome position (GRCh38, 1-based): chr12:132,657,185, T>C on the plus strand (A>G on the coding strand, the complement: POLE is on the minus strand). VCF-style: chr12-132657185-T-C. GRCh37 (hg19) VCF-style: chr12-133233771-T-C.
Other names: short protein forms Y1178C.
Identifiers: ClinVar variation 2986240 (VCV002986240.3), dbSNP rs2541998874, ClinGen allele CA387388495.

ClinVar aggregate classification (germline): Uncertain significance (1 of 4 stars; one submission).

Allele frequency attached by ClinVar (database versions not stated): gnomAD exomes below 0.00001.
gnomAD v4.1: 1 of 1,613,964 alleles (0.000062%); highest among the groups gnomAD compares: Non-Finnish European, 0.000085%; no homozygotes.

Submission:

Labcorp Genetics (formerly Invitae), Labcorp
Classification: Uncertain significance. Last evaluated: 2023-04-22. Review status: criteria provided, single submitter. Criteria: Invitae Variant Classification Sherloc (09022015). Collection method: clinical testing. Allele origin: germline.
Comment: In summary, the available evidence is currently insufficient to determine the role of this variant in disease. Therefore, it has been classified as a Variant of Uncertain Significance. Advanced modeling of protein sequence and biophysical properties (such as structural, functional, and spatial information, amino acid conservation, physicochemical variation, residue mobility, and thermodynamic stability) performed at Invitae indicates that this missense variant is not expected to disrupt POLE protein function. This variant has not been reported in the literature in individuals affected with POLE-related conditions. This variant is not present in population databases (gnomAD no frequency). This sequence change replaces tyrosine, which is neutral and polar, with cysteine, which is neutral and slightly polar, at codon 1178 of the POLE protein (p.Tyr1178Cys).